The following continues an entry in ClinVar:

NM_002691.4(POLD1):c.2052G>C (p.Gln684His)

Gene: POLD1. ClinVar aggregate classification (germline): Conflicting classifications of pathogenicity. Uncertain significance (7); Benign (2); Likely benign (9).

Submissions 19 to 25 of 25:

Molecular Oncology Laboratory, Hospital Clínico San Carlos
Classification: Uncertain significance for POLD1-related polyposis and colorectal cancer syndrome. Last evaluated: 2018-06-01. Review status: no assertion criteria provided. Criteria: ACMG Guidelines, 2015. Collection method: clinical testing. Allele origin: germline. Inheritance: Autosomal dominant inheritance. Affected: yes. Not counted in ClinVar's aggregate classification.

True Health Diagnostics
Classification: Uncertain significance for Hereditary cancer-predisposing syndrome. Last evaluated: 2018-04-27. Review status: no assertion criteria provided. Collection method: clinical testing. Allele origin: germline. Not counted in ClinVar's aggregate classification.

Counsyl
Classification: Uncertain significance for POLD1-related polyposis and colorectal cancer syndrome. Last evaluated: 2018-02-13. Review status: no assertion criteria provided. Collection method: clinical testing. Allele origin: unknown. Not counted in ClinVar's aggregate classification.

Knight Diagnostic Laboratories, Oregon Health and Sciences University
Classification: Uncertain significance for POLD1-related polyposis and colorectal cancer syndrome. Last evaluated: 2016-01-27. Review status: no assertion criteria provided. Criteria: ACMG Guidelines, 2015. Collection method: clinical testing. Allele origin: germline. Affected: no. Study: CSER-NextGen. Not counted in ClinVar's aggregate classification.

Clinical Genetics, Academic Medical Center
Classification: Likely benign. Review status: no assertion criteria provided. Collection method: clinical testing. Allele origin: germline. Affected: yes. Study: VKGL Data-share Consensus. Not counted in ClinVar's aggregate classification.

Department of Pathology and Laboratory Medicine, Sinai Health System
Classification: Uncertain significance. Review status: no assertion criteria provided. Collection method: clinical testing. Allele origin: unknown. Affected: yes. Observed: 1 variant allele. Study: The Canadian Open Genetics Repository (COGR). Not counted in ClinVar's aggregate classification.
Comment: The POLD1 p.Gln684His variant was identified in 1 of 2092 proband chromosomes (frequency: 0.0005) from individuals or families with colon cancer (Raskin 2017). The variant was also identified in dbSNP (ID: rs144143245) as "With other allele", ClinVar (classified as likely benign by Invitae, GeneDx; as uncertain significance by Ambry Genetics and six clinical laboratories), MutDB, and in LOVD 3.0 (1x). The variant was not identified in Cosmic database. The variant was identified in control databases in 120 of 276056 chromosomes at a frequency of 0.0004 increasing the likelihood this could be a low frequency benign variant (Genome Aggregation Database Feb 27, 2017). The variant was observed in the following populations: African in 2 of 23958 chromosomes (freq: 0.00008), Other in 1 of 6448 chromosomes (freq: 0.0002), Latino in 11 of 34410 chromosomes (freq: 0.0003), European in 79 of 125698 chromosomes (freq: 0.0006), Ashkenazi Jewish in 4 of 10132 chromosomes (freq: 0.0004), Finnish in 23 of 25792 chromosomes (freq: 0.0009); it was not observed in the East Asian and South Asian populations. The p.Gln684 residue is conserved in mammals and computational analyses (PolyPhen-2, SIFT, AlignGVGD, BLOSUM, MutationTaster) provide inconsistent predictions regarding the impact to the protein; this information is not very predictive of pathogenicity. The variant occurs outside of the splicing consensus sequence and 2 of 4 in silico or computational prediction software programs (SpliceSiteFinder, MaxEntScan, NNSPLICE, GeneSplicer) predict a greater than 10% difference in splicing; this is not very predictive of pathogenicity. In summary, based on the above information the clinical significance of this variant cannot be determined with certainty at this time. This variant is classified as a variant of uncertain significance.

Genome Diagnostics Laboratory, Amsterdam University Medical Center
Classification: Likely benign. Review status: no assertion criteria provided. Collection method: clinical testing. Allele origin: germline. Affected: yes. Study: VKGL Data-share Consensus. Not counted in ClinVar's aggregate classification.

Literature cited by the submitters: PubMed 29212164 (cited by 4 submitters); PubMed 31285513 (cited by 3 submitters); PubMed 31449058 (cited by 3 submitters); PubMed 32792570 (cited by Women's Health and Genetics/Laboratory Corporation of America, LabCorp); PubMed 29987844 (cited by Sema4 and Quest Diagnostics Nichols Institute San Juan Capistrano); PubMed 30083234 (cited by Quest Diagnostics Nichols Institute San Juan Capistrano); PubMed 28608266 (cited by Quest Diagnostics Nichols Institute San Juan Capistrano and Counsyl); PubMed 26648538 (cited by Quest Diagnostics Nichols Institute San Juan Capistrano).